The following is an entry in ClinVar:

NM_006739.4(MCM5):c.479C>T (p.Ala160Val)

Gene: MCM5 (minichromosome maintenance complex component 5; plus strand). Cytogenetic location: 22q12.3.
Variant type: single nucleotide variant.
Coding change: c.479C>T on transcript NM_006739.4 (MANE Select); coding-DNA position 479, C replaced by T.
Protein change: p.Ala160Val; replaces alanine 160 with valine.
Molecular consequence: missense variant.
Genome position (GRCh38, 1-based): chr22:35,406,608, C>T. VCF-style: chr22-35406608-C-T. GRCh37 (hg19) VCF-style: chr22-35802601-C-T.
Other names: short protein forms A160V.
Identifiers: ClinVar variation 1951450 (VCV001951450.7), dbSNP rs752564434, ClinGen allele CA10205046.

ClinVar aggregate classification (germline): Uncertain significance. Review status: criteria provided, multiple submitters, no conflicts (2 of 4 stars). 2 submissions from 2 submitters: Uncertain significance (2). Last evaluated 2026-01-19.

Allele frequency attached by ClinVar (database versions not stated): TOPMed 0.00003.

Submissions (2):

Labcorp Genetics (formerly Invitae), Labcorp
Classification: Uncertain significance. Last evaluated: 2026-01-19. Review status: criteria provided, single submitter. Criteria: Invitae Variant Classification Sherloc (09022015). Collection method: clinical testing. Allele origin: germline.
Comment: This sequence change replaces alanine, which is neutral and non-polar, with valine, which is neutral and non-polar, at codon 160 of the MCM5 protein (p.Ala160Val). This variant is present in population databases (rs752564434, gnomAD 0.02%). This variant has not been reported in the literature in individuals affected with MCM5-related conditions. ClinVar contains an entry for this variant (Variation ID: 1951450). Invitae Evidence Modeling of protein sequence and biophysical properties (such as structural, functional, and spatial information, amino acid conservation, physicochemical variation, residue mobility, and thermodynamic stability) indicates that this missense variant is not expected to disrupt MCM5 protein function with a negative predictive value of 80%. In summary, the available evidence is currently insufficient to determine the role of this variant in disease. Therefore, it has been classified as a Variant of Uncertain Significance.

Ambry Genetics
Classification: Uncertain significance. Last evaluated: 2025-09-25. Review status: criteria provided, single submitter. Criteria: Ambry Variant Classification Scheme 2023. Collection method: clinical testing. Allele origin: germline.